The following is an entry in ClinVar:

NM_000051.4(ATM):c.3721_3723del (p.Tyr1241del)

Gene: ATM (ATM serine/threonine kinase; plus strand). Cytogenetic location: 11q22.3.
Variant type: Deletion.
Coding change: c.3721_3723del on transcript NM_000051.4 (MANE Select); coding-DNA positions 3721 to 3723, 3 bases deleted (TAC; older notation c.3721_3723delTAC).
Protein change: p.Tyr1241del; deletes tyrosine 1241.
Molecular consequence: inframe deletion.
Genome position (GRCh38, 1-based): chr11:108,282,854-108,282,856, TAC deleted; deleting any 3 consecutive bases within chr11:108,282,852-108,282,856 gives the same sequence; the c. name uses the placement nearest the transcript's 3' end. VCF-style (leftmost placement, unchanged base first): chr11-108282851-AACT-A. GRCh37 (hg19) VCF-style: chr11-108153578-AACT-A.
Other names: c.3721_3723delTAC (NM_000051.3); c.3721_3723del, p.Tyr1241del (NM_001351834.2); short protein forms Y1241del.
Identifiers: ClinVar variation 481070 (VCV000481070.16), dbSNP rs1555092538, ClinGen allele CA658656239.

ClinVar aggregate classification (germline): Uncertain significance. Review status: criteria provided, multiple submitters, no conflicts (2 of 4 stars). 3 submissions from 3 submitters: Uncertain significance (3). Last evaluated 2025-08-18.

Conditions:
Hereditary cancer-predisposing syndrome. Also called: Hereditary neoplastic syndrome; Neoplastic Syndromes, Hereditary; Tumor predisposition; Hereditary Cancer Syndrome. Identifiers: Orphanet 140162, MedGen C0027672, MeSH D009386, MONDO:0015356.
Ataxia-telangiectasia syndrome (AT). Also called: LOUIS-BAR SYNDROME; Cerebello-oculocutaneous telangiectasia; Immunodeficiency with ataxia telangiectasia; AT, COMPLEMENTATION GROUP C; Ataxia-telangiectasia, complementation group D; ATAXIA-TELANGIECTASIA, COMPLEMENTATION GROUP A. Identifiers: Orphanet 100, MedGen C0004135, MONDO:0008840, OMIM 208900.

Submissions (3):

Ambry Genetics
Classification: Uncertain significance for Hereditary cancer-predisposing syndrome. Last evaluated: 2025-08-18. Review status: criteria provided, single submitter. Criteria: Ambry Variant Classification Scheme 2023. Collection method: clinical testing. Allele origin: germline.
Comment: The c.3721_3723delTAC variant (also known as p.Y1241del) is located in coding exon 24 of the ATM gene. This variant results from an in-frame TAC deletion at nucleotide positions 3721 to 3723. This results in the in-frame deletion of a tyrosine at codon 1241. This amino acid position is well conserved in available vertebrate species. In addition, this variant is predicted to be deleterious by in silico analysis (Choi Y et al. PLoS ONE. 2012; 7(10):e46688). Based on the available evidence, the clinical significance of this variant remains unclear.

Labcorp Genetics (formerly Invitae), Labcorp
Classification: Uncertain significance for Ataxia-telangiectasia syndrome. Last evaluated: 2024-09-12. Review status: criteria provided, single submitter. Criteria: Invitae Variant Classification Sherloc (09022015). Collection method: clinical testing. Allele origin: germline.
Comment: This variant, c.3721_3723del, results in the deletion of 1 amino acid(s) of the ATM protein (p.Tyr1241del), but otherwise preserves the integrity of the reading frame. This variant is not present in population databases (gnomAD no frequency). This variant has not been reported in the literature in individuals affected with ATM-related conditions. ClinVar contains an entry for this variant (Variation ID: 481070). Experimental studies and prediction algorithms are not available or were not evaluated, and the functional significance of this variant is currently unknown. In summary, the available evidence is currently insufficient to determine the role of this variant in disease. Therefore, it has been classified as a Variant of Uncertain Significance.

Color Diagnostics, LLC DBA Color Health
Classification: Uncertain significance for Hereditary cancer-predisposing syndrome. Last evaluated: 2018-10-24. Review status: criteria provided, single submitter. Criteria: ACMG Guidelines, 2015. Collection method: clinical testing. Allele origin: germline.